The following is an entry in ClinVar:

ClinVar aggregate classification (germline): Pathogenic/Likely pathogenic. Review status: criteria provided, multiple submitters, no conflicts (2 of 4 stars). 4 submissions from 4 submitters: Pathogenic (2); Likely pathogenic (2). Last evaluated 2025-07-03.

Conditions:
Primary ciliary dyskinesia. Also called: Ciliary dyskinesia. Identifiers: Orphanet 244, MedGen C0008780, MONDO:0016575, HP:0012265.
Primary ciliary dyskinesia 9. Also called: CILIARY DYSKINESIA, PRIMARY, 9, WITH OR WITHOUT SITUS INVERSUS. Identifiers: Orphanet 244, MedGen C2676235, MONDO:0012906, OMIM 612444.

Allele frequency attached by ClinVar (database versions not stated): gnomAD exomes 0.00001 and below 0.00001.

Submissions (4):

Natera, Inc.
Classification: Likely pathogenic for Primary ciliary dyskinesia. Last evaluated: 2025-07-03. Review status: criteria provided, single submitter. Criteria: Natera Variant Classification Schema (03/2026). Collection method: clinical testing. Allele origin: germline.
Comment: The c.1429dupA variant in DNAI2 is a frameshift variant predicted to shift the reading frame beginning at codon 477 and leads to a stop codon 16 codons downstream. This variant is expected to result in nonsense mediated decay, truncation, or a dysfunctional protein product. This variant is rare in the general population with a frequency below the threshold expected for the associated phenotype(s). Given the available evidence, this variant is classified as Likely Pathogenic.

Myriad Genetics, Inc.
Classification: Pathogenic for Primary ciliary dyskinesia 9. Last evaluated: 2024-05-14. Review status: criteria provided, single submitter. Criteria: Myriad Autosomal Dominant, Autosomal Recessive and X-Linked Classification Criteria (2023). Collection method: clinical testing. Allele origin: unknown.
Comment: NM_023036.4(DNAI2):c.1429dupA(T477Nfs*16) is expected to be pathogenic in the context of primary ciliary dyskinesia, DNAI2-related. This variant is predicted to lead to an abnormal or absent protein product due to the creation of a premature termination codon in DNAI2, a gene where loss-of-function variants are known to be pathogenic. Please note: this variant was assessed in the context of healthy population screening.

Fulgent Genetics
Classification: Likely pathogenic for Primary ciliary dyskinesia 9. Last evaluated: 2024-02-06. Review status: criteria provided, single submitter. Criteria: ACMG Guidelines, 2015. Collection method: clinical testing. Allele origin: germline.

Labcorp Genetics (formerly Invitae), Labcorp
Classification: Pathogenic for Primary ciliary dyskinesia. Last evaluated: 2023-01-31. Review status: criteria provided, single submitter. Criteria: Invitae Variant Classification Sherloc (09022015). Collection method: clinical testing. Allele origin: germline.
Comment: For these reasons, this variant has been classified as Pathogenic. ClinVar contains an entry for this variant (Variation ID: 860672). This variant has not been reported in the literature in individuals affected with DNAI2-related conditions. This variant is present in population databases (no rsID available, gnomAD 0.0009%). This sequence change creates a premature translational stop signal (p.Thr477Asnfs*16) in the DNAI2 gene. It is expected to result in an absent or disrupted protein product. Loss-of-function variants in DNAI2 are known to be pathogenic (PMID: 18950741, 23891469).

Literature cited by the submitters: PubMed 18950741 (cited by Labcorp Genetics (formerly Invitae), Labcorp); PubMed 23891469 (cited by Labcorp Genetics (formerly Invitae), Labcorp).

NM_023036.6(DNAI2):c.1429dup (p.Thr477fs)

Gene: DNAI2 (dynein axonemal intermediate chain 2; plus strand). Cytogenetic location: 17q25.1.
Variant type: Duplication.
Coding change: c.1429dup on transcript NM_023036.6 (MANE Select); coding-DNA position 1429, one base duplicated (A; older notation c.1429dupA).
Protein change: p.Thr477fs; shifts the reading frame from threonine 477.
Molecular consequence: frameshift variant. On other transcripts: non-coding transcript variant (1).
Genome position (GRCh38, 1-based): chr17:74,310,098, A duplicated. VCF-style (leftmost placement, unchanged base first): chr17-74310097-C-CA. GRCh37 (hg19) VCF-style: chr17-72306236-C-CA.
Other names: c.1429dupA (NM_023036.5); c.1393dup, p.Thr465fs (NM_001172810.3); c.1429dup, p.Thr477fs (NM_001353167.2); short protein forms T477fs, T465fs.
Identifiers: ClinVar variation 860672 (VCV000860672.11), dbSNP rs1567876609, ClinGen allele CA627351652.
Genomic context (GRCh38, chr17:74,310,097, plus strand): 5'-CTGCCTCCGGGTGCAGGACAATGGGTGTCTCATCGCCTGCGGCTCCCAGCTGGGGACAAC[C>CA]ACCCTGCTGGAGGTCTCGCCTGGGCTCTCTACCCTCCAGAGGAATGAGAAGAACGTAGCC-3'